The following is an entry in ClinVar:

ClinVar aggregate classification (germline): Pathogenic. Review status: criteria provided, multiple submitters, no conflicts (2 of 4 stars). 3 submissions from 3 submitters: Pathogenic (3). Last evaluated 2023-04-11.

Conditions:
Severe intellectual disability-poor language-strabismus-grimacing face-long fingers syndrome (GAND). Also called: GAND SYNDROME. Identifiers: Orphanet 363686, MedGen C3554448, MONDO:0014034, OMIM 615074.

Submissions (3):

Genome-Nilou Lab
Classification: Pathogenic for Severe intellectual disability-poor language-strabismus-grimacing face-long fingers syndrome. Last evaluated: 2023-04-11. Review status: criteria provided, single submitter. Criteria: ACMG Guidelines, 2015. Collection method: clinical testing. Allele origin: germline. Affected: no.

CeGaT Center for Human Genetics Tuebingen
Classification: Pathogenic. Last evaluated: 2020-12-01. Review status: criteria provided, single submitter. Criteria: CeGaT Center For Human Genetics Tuebingen Variant Classification Criteria Version 2. Collection method: clinical testing. Allele origin: germline. Affected: yes. Observed: 1 variant allele.

GeneDx
Classification: Pathogenic. Last evaluated: 2015-09-12. Review status: criteria provided, single submitter. Criteria: GeneDx Variant Classification (06012015). Collection method: clinical testing. Allele origin: germline. Affected: yes.
Comment: The Q325X variant in the GATAD2B gene has not been reported previously as a pathogenic variant or as a benign polymorphism, to our knowledge. This variant is predicted to cause loss of normal protein function either through protein truncation or nonsense-mediated mRNA decay. The Q325X variant was not observed in approximately 6,500 individuals of European and African American ancestry in the NHLBI Exome Sequencing Project, indicating it is not a common benign variant in these populations. We interpret Q325X as a pathogenic variant.

NM_020699.4(GATAD2B):c.973C>T (p.Gln325Ter)

Gene: GATAD2B (GATA zinc finger domain containing 2B; minus strand). Cytogenetic location: 1q21.3.
Variant type: single nucleotide variant.
Coding change: c.973C>T on transcript NM_020699.4 (MANE Select); coding-DNA position 973, C replaced by T.
Protein change: p.Gln325Ter; replaces glutamine 325 with a stop codon.
Molecular consequence: nonsense.
Genome position (GRCh38, 1-based): chr1:153,816,516, G>A on the plus strand (C>T on the coding strand, the complement: GATAD2B is on the minus strand). VCF-style: chr1-153816516-G-A. GRCh37 (hg19) VCF-style: chr1-153788992-G-A.
Other names: short protein forms Q325*.
Identifiers: ClinVar variation 419723 (VCV000419723.41), dbSNP rs1064794066, ClinGen allele CA16616978.